The following is an entry in ClinVar:

ClinVar aggregate classification (germline): Pathogenic (1 of 4 stars; one submission).

Conditions:
Familial cancer of breast. Also called: BREAST CANCER, FAMILIAL; hereditary breast carcinoma; Hereditary breast cancer. Identifiers: Orphanet 227535, MedGen C0346153, MONDO:0016419, OMIM 114480. Disease mechanism: loss of function.

Submission:

Labcorp Genetics (formerly Invitae), Labcorp
Classification: Pathogenic for Familial cancer of breast. Last evaluated: 2018-03-11. Review status: criteria provided, single submitter. Criteria: Invitae Variant Classification Sherloc (09022015). Collection method: clinical testing. Allele origin: germline.
Comment: For these reasons, this variant has been classified as Pathogenic. Loss-of-function variants in CHEK2 are known to be pathogenic (PMID: 21876083, 24713400). This variant has not been reported in the literature in individuals with CHEK2-related disease. This variant is not present in population databases (ExAC no frequency). This sequence change creates a premature translational stop signal (p.His54Profs*6) in the CHEK2 gene. It is expected to result in an absent or disrupted protein product.

Literature cited by the submitters: PubMed 21876083; PubMed 24713400.

NM_007194.4(CHEK2):c.161_164del (p.His54fs)

Gene: CHEK2 (checkpoint kinase 2; minus strand). Cytogenetic location: 22q12.1.
Variant type: Deletion.
Coding change: c.161_164del on transcript NM_007194.4 (MANE Select); coding-DNA positions 161 to 164, 4 bases deleted (ACTC; older notation c.161_164delACTC).
Protein change: p.His54fs; shifts the reading frame from histidine 54.
Molecular consequence: frameshift variant.
Genome position (GRCh38, 1-based): chr22:28,734,558-28,734,561, GAGT deleted on the plus strand (ACTC on the coding strand, the reverse complement: CHEK2 is on the minus strand); deleting any 4 consecutive bases within chr22:28,734,558-28,734,564 gives the same sequence; the c. name uses the placement nearest the transcript's 3' end. VCF-style (leftmost placement, unchanged base first): chr22-28734557-GGAGT-G. GRCh37 (hg19) VCF-style: chr22-29130545-GGAGT-G.
Other names: c.158_161delCTCA, p.His54Profs (NM_001005735.3, NM_001349956.3, NM_145862.3); c.-620_-617delCTCA (NM_001257387.3); short protein forms H54fs.
Identifiers: ClinVar variation 581511 (VCV000581511.7), dbSNP rs1569170839, ClinGen allele CA891844563.